The following is an entry in ClinVar:

ClinVar aggregate classification (germline): Likely benign (1 of 4 stars; one submission).

Submission:

CeGaT Center for Human Genetics Tuebingen
Classification: Likely benign. Last evaluated: 2025-10-01. Review status: criteria provided, single submitter. Criteria: CeGaT Center For Human Genetics Tuebingen Variant Classification Criteria Version 2. Collection method: clinical testing. Allele origin: germline. Affected: yes. Observed: 1 variant allele.
Comment: RPL3L: PM2:Supporting, BP4, BP7

NM_005061.3(RPL3L):c.1170C>G (p.Gly390=)

Gene: RPL3L (ribosomal protein L3 like; minus strand). Cytogenetic location: 16p13.3.
Variant type: single nucleotide variant.
Coding change: c.1170C>G on transcript NM_005061.3 (MANE Select); coding-DNA position 1170, C replaced by G.
Protein change: p.Gly390=; no amino-acid change (glycine 390 retained).
Molecular consequence: synonymous variant.
Genome position (GRCh38, 1-based): chr16:1,944,891, G>C on the plus strand (C>G on the coding strand, the complement: RPL3L is on the minus strand). VCF-style: chr16-1944891-G-C. GRCh37 (hg19) VCF-style: chr16-1994892-G-C.
Identifiers: ClinVar variation 4534827 (VCV004534827.6).